The following is an entry in ClinVar:

NM_001100913.3(PACS2):c.1891+6G>T

Gene: PACS2 (phosphofurin acidic cluster sorting protein 2; plus strand). Cytogenetic location: 14q32.33.
Variant type: single nucleotide variant.
Coding change: c.1891+6G>T on transcript NM_001100913.3 (MANE Select); 6 bases into the intron after coding-DNA position 1891, G replaced by T.
Molecular consequence: intron variant.
Genome position (GRCh38, 1-based): chr14:105,384,469, G>T. VCF-style: chr14-105384469-G-T. GRCh37 (hg19) VCF-style: chr14-105850806-G-T.
Other names: c.1654+6G>T (NM_001243127.3); c.1879+6G>T (NM_015197.4).
Identifiers: ClinVar variation 3726257 (VCV003726257.2).

ClinVar aggregate classification (germline): Uncertain significance (1 of 4 stars; one submission).

gnomAD v4.1: 4 of 1,586,562 alleles (0.00025%); highest among the groups gnomAD compares: South Asian, 0.0022%; no homozygotes.

Submission:

Labcorp Genetics (formerly Invitae), Labcorp
Classification: Uncertain significance. Last evaluated: 2024-11-27. Review status: criteria provided, single submitter. Criteria: Invitae Variant Classification Sherloc (09022015). Collection method: clinical testing. Allele origin: germline.
Comment: This sequence change falls in intron 17 of the PACS2 gene. It does not directly change the encoded amino acid sequence of the PACS2 protein. It affects a nucleotide within the consensus splice site. The frequency data for this variant in the population databases is considered unreliable, as metrics indicate poor data quality at this position in the gnomAD database. This variant has not been reported in the literature in individuals affected with PACS2-related conditions. Variants that disrupt the consensus splice site are a relatively common cause of aberrant splicing (PMID: 17576681, 9536098). Algorithms developed to predict the effect of sequence changes on RNA splicing suggest that this variant is not likely to affect RNA splicing. In summary, the available evidence is currently insufficient to determine the role of this variant in disease. Therefore, it has been classified as a Variant of Uncertain Significance.

Literature cited by the submitters: PubMed 17576681; PubMed 9536098.